The following is an entry in ClinVar:

NM_020884.7(MYH7B):c.2451G>A (p.Ala817=)

Gene: MYH7B (myosin heavy chain 7B; plus strand). Cytogenetic location: 20q11.22.
Variant type: single nucleotide variant.
Coding change: c.2451G>A on transcript NM_020884.7 (MANE Select); coding-DNA position 2451, G replaced by A.
Protein change: p.Ala817=; no amino-acid change (alanine 817 retained).
Molecular consequence: synonymous variant.
Genome position (GRCh38, 1-based): chr20:34,994,152, G>A. VCF-style: chr20-34994152-G-A. GRCh37 (hg19) VCF-style: chr20-33581955-G-A.
Other names: c.2577G>A (NM_020884.4).
Identifiers: ClinVar variation 510873 (VCV000510873.12), dbSNP rs2425012, ClinGen allele CA9827387.

ClinVar aggregate classification (germline): Benign. Review status: criteria provided, multiple submitters, no conflicts (2 of 4 stars). 4 submissions from 4 submitters: Benign (3). 1 of the submissions does not count toward it. Last evaluated 2026-02-04.

Conditions:
MYH7B-related disorder. Also called: MYH7B-related condition.

Allele frequency attached by ClinVar (database versions not stated): ESP Exome Variant Server 0.35614; gnomAD 0.38844 and 0.39058; 1000 Genomes Project 30x 0.39444; 1000 Genomes Project 0.39677; TOPMed 0.39932; ExAC 0.43246; gnomAD exomes 0.44792.
gnomAD v4.1: 688,627 of 1,612,340 alleles (43%); highest among the groups gnomAD compares: Admixed American, 67%; 152,514 homozygotes.

Submissions (4):

Labcorp Genetics (formerly Invitae), Labcorp
Classification: Benign. Last evaluated: 2026-02-04. Review status: criteria provided, single submitter. Criteria: Invitae Variant Classification Sherloc (09022015). Collection method: clinical testing. Allele origin: germline.

GeneDx
Classification: Benign. Last evaluated: 2017-12-27. Review status: criteria provided, single submitter. Criteria: GeneDx Variant Classification (06012015). Collection method: clinical testing. Allele origin: germline. Affected: yes.
Comment: This variant is considered likely benign or benign based on one or more of the following criteria: it is a conservative change, it occurs at a poorly conserved position in the protein, it is predicted to be benign by multiple in silico algorithms, and/or has population frequency not consistent with disease.

Breakthrough Genomics
Classification: Benign. Review status: criteria provided, single submitter. Criteria: ACMG Guidelines, 2015. Collection method: not provided. Allele origin: germline. Inheritance: Unknown mechanism. Affected: yes.

PreventionGenetics, part of Exact Sciences
Classification: Benign for MYH7B-related condition. Last evaluated: 2019-06-10. Review status: no assertion criteria provided. Collection method: clinical testing. Allele origin: germline. Not counted in ClinVar's aggregate classification.
Comment: This variant is classified as benign based on ACMG/AMP sequence variant interpretation guidelines (Richards et al. 2015 PMID: 25741868, with internal and published modifications).